The following is an entry in ClinVar:

ClinVar aggregate classification (germline): Pathogenic (1 of 4 stars; one submission).

Allele frequency attached by ClinVar (database versions not stated): gnomAD exomes below 0.00001; TOPMed 0.00001.
gnomAD v4.1: 1 of 1,468,056 alleles (0.000068%); highest among the groups gnomAD compares: African/African-American, 0.0015%; no homozygotes.

Submission:

Labcorp Genetics (formerly Invitae), Labcorp
Classification: Pathogenic. Last evaluated: 2024-10-24. Review status: criteria provided, single submitter. Criteria: Invitae Variant Classification Sherloc (09022015). Collection method: clinical testing. Allele origin: germline.
Comment: This sequence change creates a premature translational stop signal (p.Trp45*) in the OBSL1 gene. It is expected to result in an absent or disrupted protein product. Loss-of-function variants in OBSL1 are known to be pathogenic (PMID: 19481195, 19877176). This variant is not present in population databases (gnomAD no frequency). This variant has not been reported in the literature in individuals affected with OBSL1-related conditions. ClinVar contains an entry for this variant (Variation ID: 1455612). For these reasons, this variant has been classified as Pathogenic.

Literature cited by the submitters: PubMed 19481195; PubMed 19877176.

NM_015311.3(OBSL1):c.135G>A (p.Trp45Ter)

Gene: OBSL1 (obscurin like cytoskeletal adaptor 1; minus strand). Cytogenetic location: 2q35.
Variant type: single nucleotide variant.
Coding change: c.135G>A on transcript NM_015311.3 (MANE Select); coding-DNA position 135, G replaced by A.
Protein change: p.Trp45Ter; replaces tryptophan 45 with a stop codon.
Molecular consequence: nonsense.
Genome position (GRCh38, 1-based): chr2:219,571,098, C>T on the plus strand (G>A on the coding strand, the complement: OBSL1 is on the minus strand). VCF-style: chr2-219571098-C-T. GRCh37 (hg19) VCF-style: chr2-220435820-C-T.
Other names: c.135G>A, p.Trp45Ter (NM_001173408.2, NM_001173431.2); short protein forms W45*.
Identifiers: ClinVar variation 1455612 (VCV001455612.6), dbSNP rs1697317440, ClinGen allele CA350766238.
Genomic context (GRCh38, chr2:219,571,098, plus strand): 5'-CGCGCCGTCCGCCGGGAAGCTCAGGCGTTCCGAGGCCGCCAGCTGCTGCCCGCCCTTCTC[C>T]CACACCACTACAGGCGGCGGCTCCCCCAGGACCACGCACTTGAGCTCGGCCTCGGCGCCA-3'